The following is an entry in ClinVar:

NM_024426.6(WT1):c.1072C>G (p.Gln358Glu)

Gene: WT1 (WT1 transcription factor; minus strand). Cytogenetic location: 11p13.
Variant type: single nucleotide variant.
Coding change: c.1072C>G on transcript NM_024426.6 (MANE Select); coding-DNA position 1072, C replaced by G.
Protein change: p.Gln358Glu; replaces glutamine 358 with glutamic acid.
Molecular consequence: missense variant. On other transcripts: 5 prime UTR variant (1), non-coding transcript variant (1).
Genome position (GRCh38, 1-based): chr11:32,399,989, G>C on the plus strand (C>G on the coding strand, the complement: WT1 is on the minus strand). VCF-style: chr11-32399989-G-C. GRCh37 (hg19) VCF-style: chr11-32421535-G-C.
Other names: c.1066C>G, p.Gln356Glu (NM_001407044.1); c.1021C>G, p.Gln341Glu (NM_001407045.1, NM_001407048.1, NM_001407049.1 and 1 more transcripts); c.1072C>G, p.Gln358Glu (NM_001407046.1, NM_024424.5); c.949C>G, p.Gln317Glu (NM_001407047.1); c.898C>G, p.Gln300Glu (NM_001407050.1); c.310C>G, p.Gln104Glu (NM_001407051.1); c.370C>G, p.Gln124Glu (NM_001198552.2); c.-117C>G (NM_001367854.1); and 2 more; short protein forms Q141E, Q341E, Q124E, Q358E, Q300E, Q104E, Q317E, Q336E.
Identifiers: ClinVar variation 944772 (VCV000944772.11), dbSNP rs771117558, ClinGen allele CA064107.

ClinVar aggregate classification (germline): Uncertain significance (1 of 4 stars; one submission).

Conditions:
Drash syndrome (DDS). Also called: NEPHROPATHY, WILMS TUMOR, AND GENITAL ANOMALIES; WILMS TUMOR AND PSEUDO- OR TRUE HERMAPHRODITISM. Identifiers: Orphanet 220, MedGen C0950121, MONDO:0008682, OMIM 194080.
Frasier syndrome. Identifiers: Orphanet 347, MedGen C0950122, MeSH D052159, MONDO:0007635, OMIM 136680.
Wilms tumor 1 (WT1). Also called: Wilms tumor, somatic. Identifiers: Orphanet 654, MedGen CN033288, MONDO:0008679, OMIM 194070.
11p partial monosomy syndrome (WAGR). Also called: CHROMOSOME 11p13 DELETION SYNDROME; WAGR Spectrum Disorder; WAGR syndrome; WAGR Complex. Identifiers: Orphanet 893, MedGen C0206115, MONDO:0008681, OMIM 194072.

Allele frequency attached by ClinVar (database versions not stated): gnomAD exomes below 0.00001; ExAC 0.00001.
gnomAD v4.1: 1 of 1,614,210 alleles (0.000062%); highest among the groups gnomAD compares: Non-Finnish European, 0.000085%; no homozygotes.

Submission:

Labcorp Genetics (formerly Invitae), Labcorp
Classification: Uncertain significance for Wilms tumor 1; Drash syndrome; 11p partial monosomy syndrome; Frasier syndrome. Last evaluated: 2019-07-25. Review status: criteria provided, single submitter. Criteria: Invitae Variant Classification Sherloc (09022015). Collection method: clinical testing. Allele origin: germline.
Comment: Algorithms developed to predict the effect of missense changes on protein structure and function (SIFT, PolyPhen-2, Align-GVGD) all suggest that this variant is likely to be disruptive, but these predictions have not been confirmed by published functional studies and their clinical significance is uncertain. In summary, the available evidence is currently insufficient to determine the role of this variant in disease. Therefore, it has been classified as a Variant of Uncertain Significance. This sequence change replaces glutamine with glutamic acid at codon 353 of the WT1 protein (p.Gln353Glu). The glutamine residue is highly conserved and there is a small physicochemical difference between glutamine and glutamic acid. This variant is present in population databases (rs771117558, ExAC 0.002%). This variant has not been reported in the literature in individuals with WT1-related conditions.